The following is an entry in ClinVar:

NM_006766.5(KAT6A):c.4451C>G (p.Ser1484Cys)

Gene: KAT6A (lysine acetyltransferase 6A; minus strand). Cytogenetic location: 8p11.21.
Variant type: single nucleotide variant.
Coding change: c.4451C>G on transcript NM_006766.5 (MANE Select); coding-DNA position 4451, C replaced by G.
Protein change: p.Ser1484Cys; replaces serine 1484 with cysteine.
Molecular consequence: missense variant.
Genome position (GRCh38, 1-based): chr8:41,933,769, G>C on the plus strand (C>G on the coding strand, the complement: KAT6A is on the minus strand). VCF-style: chr8-41933769-G-C. GRCh37 (hg19) VCF-style: chr8-41791287-G-C.
Other names: short protein forms S1484C.
Identifiers: ClinVar variation 3652187 (VCV003652187.2).

ClinVar aggregate classification (germline): Uncertain significance (1 of 4 stars; one submission).

gnomAD v4.1: 1 of 1,614,114 alleles (0.000062%); highest among the groups gnomAD compares: East Asian, 0.0022%; no homozygotes.

Submission:

Labcorp Genetics (formerly Invitae), Labcorp
Classification: Uncertain significance. Last evaluated: 2024-05-05. Review status: criteria provided, single submitter. Criteria: Invitae Variant Classification Sherloc (09022015). Collection method: clinical testing. Allele origin: germline.
Comment: This sequence change replaces serine, which is neutral and polar, with cysteine, which is neutral and slightly polar, at codon 1484 of the KAT6A protein (p.Ser1484Cys). This variant is not present in population databases (gnomAD no frequency). This variant has not been reported in the literature in individuals affected with KAT6A-related conditions. Advanced modeling of protein sequence and biophysical properties (such as structural, functional, and spatial information, amino acid conservation, physicochemical variation, residue mobility, and thermodynamic stability) performed at Invitae indicates that this missense variant is not expected to disrupt KAT6A protein function with a negative predictive value of 80%. In summary, the available evidence is currently insufficient to determine the role of this variant in disease. Therefore, it has been classified as a Variant of Uncertain Significance.